The following is an entry in ClinVar:

NM_001077365.2(POMT1):c.1484C>T (p.Ala495Val)

Gene: POMT1 (protein O-mannosyltransferase 1; plus strand). Cytogenetic location: 9q34.13.
Variant type: single nucleotide variant.
Coding change: c.1484C>T on transcript NM_001077365.2 (MANE Select); coding-DNA position 1484, C replaced by T.
Protein change: p.Ala495Val; replaces alanine 495 with valine.
Molecular consequence: missense variant. On other transcripts: non-coding transcript variant (10), intron variant (1).
Genome position (GRCh38, 1-based): chr9:131,518,955, C>T. VCF-style: chr9-131518955-C-T. GRCh37 (hg19) VCF-style: chr9-134394342-C-T.
Other names: c.1322C>T, p.Ala441Val (NM_001077366.2, NM_001353194.2); c.1484C>T, p.Ala495Val (NM_001136113.2); c.1133C>T, p.Ala378Val (NM_001136114.2, NM_001353195.2, NM_001374691.1 and 2 more transcripts); c.1550C>T, p.Ala517Val (NM_001353193.2, NM_007171.4); c.1394C>T, p.Ala465Val (NM_001353196.2); c.1388C>T, p.Ala463Val (NM_001353197.2, NM_001353198.2); c.1199C>T, p.Ala400Val (NM_001353199.2); c.1028C>T, p.Ala343Val (NM_001353200.2); and 3 more; short protein forms A517V, A378V, A465V, A441V, A463V, A495V, A343V, A400V.
Identifiers: ClinVar variation 448111 (VCV000448111.10), dbSNP rs761439623, ClinGen allele CA5293711.
Genomic context (GRCh38, chr9:131,518,955, plus strand): 5'-AGCTGTCCCGGGGCTACCACGGGAGCACGGTGTGGAACGTGGAGGAGCACCGATACGGCG[C>T]GAGTGAGTCCGCGGCGTGGCTTCCGCCGCTCCTGGAATGTACTTTCAGCTGCTCAATATT-3'
Protein context (NP_001070833.1, residues 485-505): VWNVEEHRYG[Ala495Val]SQEQRERERE

ClinVar aggregate classification (germline): Uncertain significance. Review status: criteria provided, multiple submitters, no conflicts (2 of 4 stars). 3 submissions from 3 submitters: Uncertain significance (3). Last evaluated 2024-10-28.

Conditions:
Autosomal recessive limb-girdle muscular dystrophy type 2K. Also called: MUSCULAR DYSTROPHY, LIMB-GIRDLE, TYPE 2K; MUSCULAR DYSTROPHY-DYSTROGLYCANOPATHY (LIMB-GIRDLE), TYPE C, 1. Identifiers: Orphanet 86812, MedGen C1836373, MONDO:0012248, OMIM 609308.
Walker-Warburg congenital muscular dystrophy. Also called: Muscular dystrophy-dystroglycanopathy, type A; Walker-Warburg syndrome. Identifiers: Orphanet 899, MedGen C0265221, MONDO:0000171.
Muscular dystrophy-dystroglycanopathy (congenital with impaired intellectual development), type B, 1. Also called: Muscular dystrophy-dystroglycanopathy (congenital with intellectual disability), type B1; MUSCULAR DYSTROPHY, CONGENITAL, POMT1-RELATED. Identifiers: MedGen C5436962, MONDO:0013159, OMIM 613155.

Allele frequency attached by ClinVar (database versions not stated): TOPMed 0.00001; gnomAD exomes 0.00002 and 0.00001; gnomAD 0.00001; ExAC 0.00002.

Submissions (3):

Labcorp Genetics (formerly Invitae), Labcorp
Classification: Uncertain significance for Muscular dystrophy-dystroglycanopathy (congenital with impaired intellectual development), type B, 1; Walker-Warburg congenital muscular dystrophy; Autosomal recessive limb-girdle muscular dystrophy type 2K. Last evaluated: 2024-10-28. Review status: criteria provided, single submitter. Criteria: Invitae Variant Classification Sherloc (09022015). Collection method: clinical testing. Allele origin: germline.
Comment: This sequence change replaces alanine, which is neutral and non-polar, with valine, which is neutral and non-polar, at codon 517 of the POMT1 protein (p.Ala517Val). The frequency data for this variant in the population databases is considered unreliable, as metrics indicate poor data quality at this position in the gnomAD database. This variant has not been reported in the literature in individuals affected with POMT1-related conditions. ClinVar contains an entry for this variant (Variation ID: 448111). An algorithm developed to predict the effect of missense changes on protein structure and function (PolyPhen-2) suggests that this variant is likely to be tolerated. Algorithms developed to predict the effect of sequence changes on RNA splicing suggest that this variant may disrupt the consensus splice site. In summary, the available evidence is currently insufficient to determine the role of this variant in disease. Therefore, it has been classified as a Variant of Uncertain Significance.

Blueprint Genetics
Classification: Uncertain significance. Last evaluated: 2024-05-29. Review status: criteria provided, single submitter. Criteria: ACMG Guidelines, 2015. Collection method: clinical testing. Allele origin: germline.

Athena Diagnostics
Classification: Uncertain significance. Last evaluated: 2016-09-23. Review status: criteria provided, single submitter. Criteria: Athena Diagnostics Criteria. Collection method: clinical testing. Allele origin: germline.